The following is an entry in ClinVar:

NM_004304.5(ALK):c.2497G>T (p.Gly833Ter)

Gene: ALK (ALK receptor tyrosine kinase; minus strand). Cytogenetic location: 2p23.2.
Variant type: single nucleotide variant.
Coding change: c.2497G>T on transcript NM_004304.5 (MANE Select); coding-DNA position 2497, G replaced by T.
Protein change: p.Gly833Ter; replaces glycine 833 with a stop codon.
Molecular consequence: nonsense.
Genome position (GRCh38, 1-based): chr2:29,232,439, C>A on the plus strand (G>T on the coding strand, the complement: ALK is on the minus strand). VCF-style: chr2-29232439-C-A. GRCh37 (hg19) VCF-style: chr2-29455305-C-A.
Other names: short protein forms G833*.
Identifiers: ClinVar variation 571876 (VCV000571876.11), dbSNP rs74360487, ClinGen allele CA44638401.

ClinVar aggregate classification (germline): Conflicting classifications of pathogenicity. Review status: criteria provided, conflicting classifications (1 of 4 stars). 3 submissions from 3 submitters: Uncertain significance (1); Likely benign (1). 1 of the submissions does not count toward it. Last evaluated 2025-12-20.

Conditions:
ALK-related disorder. Also called: ALK-related condition.
Neuroblastoma, susceptibility to, 3. Also called: ALK-Related Neuroblastic Tumor Susceptibility. Identifiers: Orphanet 635, MedGen C2751681, MONDO:0013083, OMIM 613014.
Hereditary cancer-predisposing syndrome. Also called: Hereditary neoplastic syndrome; Neoplastic Syndromes, Hereditary; Hereditary Cancer Syndrome; Tumor predisposition. Identifiers: Orphanet 140162, MedGen C0027672, MeSH D009386, MONDO:0015356.

Allele frequency attached by ClinVar (database versions not stated): TOPMed 0.00002; gnomAD 0.00003; gnomAD exomes below 0.00001.
gnomAD v4.1: 10 of 1,614,132 alleles (0.00062%); highest among the groups gnomAD compares: Non-Finnish European, 0.00085%; no homozygotes.

Submissions (3):

Labcorp Genetics (formerly Invitae), Labcorp
Classification: Uncertain significance for Neuroblastoma, susceptibility to, 3. Last evaluated: 2025-12-20. Review status: criteria provided, single submitter. Criteria: Invitae Variant Classification Sherloc (09022015). Collection method: clinical testing. Allele origin: germline.
Comment: This sequence change creates a premature translational stop signal (p.Gly833*) in the ALK gene. It is expected to result in an absent or disrupted protein product. However, the current clinical and genetic evidence is not sufficient to establish whether loss-of-function variants in ALK cause disease. This variant is not present in population databases (gnomAD no frequency). This variant has not been reported in the literature in individuals affected with ALK-related conditions. ClinVar contains an entry for this variant (Variation ID: 571876). Algorithms developed to predict the effect of sequence changes on RNA splicing suggest that this variant may disrupt the consensus splice site. In summary, the available evidence is currently insufficient to determine the role of this variant in disease. Therefore, it has been classified as a Variant of Uncertain Significance.

Ambry Genetics
Classification: Likely benign for Hereditary cancer-predisposing syndrome. Last evaluated: 2025-03-07. Review status: criteria provided, single submitter. Criteria: Ambry Variant Classification Scheme 2023. Collection method: clinical testing. Allele origin: germline.

PreventionGenetics, part of Exact Sciences
Classification: Uncertain significance for ALK-related condition. Last evaluated: 2023-12-15. Review status: no assertion criteria provided. Collection method: clinical testing. Allele origin: germline. Not counted in ClinVar's aggregate classification.
Comment: The ALK c.2497G>T variant is predicted to result in premature protein termination (p.Gly833*). To our knowledge, this variant has not been reported in the literature or in a large population database, indicating this variant is rare. Loss of function variants in ALK are not an established mechanism of disease. At this time, the clinical significance of this variant is uncertain due to the absence of conclusive functional and genetic evidence.